The following is an entry in ClinVar:

NM_005045.4(RELN):c.7498G>C (p.Glu2500Gln)

Gene: RELN (reelin; minus strand). Cytogenetic location: 7q22.1.
Variant type: single nucleotide variant.
Coding change: c.7498G>C on transcript NM_005045.4 (MANE Select); coding-DNA position 7498, G replaced by C.
Protein change: p.Glu2500Gln; replaces glutamic acid 2500 with glutamine.
Molecular consequence: missense variant.
Genome position (GRCh38, 1-based): chr7:103,522,192, C>G on the plus strand (G>C on the coding strand, the complement: RELN is on the minus strand). VCF-style: chr7-103522192-C-G. GRCh37 (hg19) VCF-style: chr7-103162639-C-G.
Other names: c.7498G>C, p.Glu2500Gln (NM_173054.3); c.7498G>C (NM_005045.3); short protein forms E2500Q.
Identifiers: ClinVar variation 1490120 (VCV001490120.9), dbSNP rs1554369707, ClinGen allele CA368767423.

ClinVar aggregate classification (germline): Uncertain significance. Review status: criteria provided, multiple submitters, no conflicts (2 of 4 stars). 2 submissions from 2 submitters: Uncertain significance (2). Last evaluated 2026-08-23.

Conditions:
Norman-Roberts syndrome (LIS2). Also called: Lissencephaly 2 (Norman-Roberts type). Identifiers: Orphanet 89844, MedGen C0796089, MONDO:0009760, OMIM 257320.
Familial temporal lobe epilepsy 7. Identifiers: Orphanet 101046, MedGen C4225327, MONDO:0014639, OMIM 616436.
Inborn genetic diseases. Identifiers: MedGen C0950123, MeSH D030342.

Allele frequency attached by ClinVar (database versions not stated): TOPMed 0.00001; gnomAD 0.00001; gnomAD exomes below 0.00001.
gnomAD v4.1: 5 of 1,613,790 alleles (0.00031%); highest among the groups gnomAD compares: Non-Finnish European, 0.00042%; no homozygotes.

Submissions (2):

Ambry Genetics
Classification: Uncertain significance for Inborn genetic diseases. Last evaluated: 2026-08-23. Review status: criteria provided, single submitter. Criteria: Ambry Variant Classification Scheme 2023. Collection method: clinical testing. Allele origin: germline.

Labcorp Genetics (formerly Invitae), Labcorp
Classification: Uncertain significance for Familial temporal lobe epilepsy 7; Norman-Roberts syndrome. Last evaluated: 2025-07-23. Review status: criteria provided, single submitter. Criteria: Invitae Variant Classification Sherloc (09022015). Collection method: clinical testing. Allele origin: germline.
Comment: This sequence change replaces glutamic acid, which is acidic and polar, with glutamine, which is neutral and polar, at codon 2500 of the RELN protein (p.Glu2500Gln). This variant is not present in population databases (gnomAD no frequency). This variant has not been reported in the literature in individuals affected with RELN-related conditions. ClinVar contains an entry for this variant (Variation ID: 1490120). Invitae Evidence Modeling of protein sequence and biophysical properties (such as structural, functional, and spatial information, amino acid conservation, physicochemical variation, residue mobility, and thermodynamic stability) indicates that this missense variant is not expected to disrupt RELN protein function with a negative predictive value of 80%. In summary, the available evidence is currently insufficient to determine the role of this variant in disease. Therefore, it has been classified as a Variant of Uncertain Significance.